The following is an entry in ClinVar:

NM_004608.4(TBX6):c.1112C>T (p.Pro371Leu)

Gene: TBX6 (T-box transcription factor 6; minus strand). Cytogenetic location: 16p11.2.
Variant type: single nucleotide variant.
Coding change: c.1112C>T on transcript NM_004608.4 (MANE Select); coding-DNA position 1112, C replaced by T.
Protein change: p.Pro371Leu; replaces proline 371 with leucine.
Molecular consequence: missense variant.
Genome position (GRCh38, 1-based): chr16:30,086,424, G>A on the plus strand (C>T on the coding strand, the complement: TBX6 is on the minus strand). VCF-style: chr16-30086424-G-A. GRCh37 (hg19) VCF-style: chr16-30097745-G-A.
Other names: short protein forms P371L.
Identifiers: ClinVar variation 694410 (VCV000694410.5), dbSNP rs749373395, ClinGen allele CA8001672.

ClinVar aggregate classification (germline): Uncertain significance. Review status: criteria provided, multiple submitters, no conflicts (2 of 4 stars). 2 submissions from 2 submitters: Uncertain significance (2). Last evaluated 2025-10-02.

Conditions:
Scoliosis. Identifiers: MedGen C0036439, MONDO:0005392, HP:0002650.

Allele frequency attached by ClinVar (database versions not stated): ExAC 0.00005; gnomAD 0.00006; TOPMed 0.00001; gnomAD exomes 0.00003.
gnomAD v4.1: 24 of 1,522,250 alleles (0.0016%); highest among the groups gnomAD compares: Middle Eastern, 0.019%; no homozygotes.

Submissions (2):

Labcorp Genetics (formerly Invitae), Labcorp
Classification: Uncertain significance. Last evaluated: 2025-10-02. Review status: criteria provided, single submitter. Criteria: Invitae Variant Classification Sherloc (09022015). Collection method: clinical testing. Allele origin: germline.
Comment: This sequence change replaces proline, which is neutral and non-polar, with leucine, which is neutral and non-polar, at codon 371 of the TBX6 protein (p.Pro371Leu). The frequency data for this variant in the population databases is considered unreliable, as metrics indicate poor data quality at this position in the gnomAD database. This missense change has been observed in individual(s) with congenital scoliosis (PMID: 31471994). ClinVar contains an entry for this variant (Variation ID: 694410). Invitae Evidence Modeling of protein sequence and biophysical properties (such as structural, functional, and spatial information, amino acid conservation, physicochemical variation, residue mobility, and thermodynamic stability) indicates that this missense variant is not expected to disrupt TBX6 protein function with a negative predictive value of 80%. Experimental studies have shown that this missense change does not substantially affect TBX6 function (PMID: 31471994). In summary, the available evidence is currently insufficient to determine the role of this variant in disease. Therefore, it has been classified as a Variant of Uncertain Significance.

Beijing Key Laboratory for Genetic Research of Skeletal Deformity, Peking Union Medical College Hospital
Classification: Uncertain significance for scoliosis. Last evaluated: 2019-08-01. Review status: criteria provided, single submitter. Criteria: ACMG Guidelines, 2015. Collection method: research. Allele origin: germline. Affected: yes. Observed: 1 variant allele.
Comment: This variant may contribute to congenital scoliosis development

Literature cited by the submitters: PubMed 31471994 (cited by Labcorp Genetics (formerly Invitae), Labcorp); PubMed 25564734 (cited by Beijing Key Laboratory for Genetic Research of Skeletal Deformity, Peking Union Medical College Hospital).